The following is an entry in ClinVar:

NM_015046.7(SETX):c.2254A>G (p.Thr752Ala)

Gene: SETX (senataxin; minus strand). Cytogenetic location: 9q34.13.
Variant type: single nucleotide variant.
Coding change: c.2254A>G on transcript NM_015046.7 (MANE Select); coding-DNA position 2254, A replaced by G.
Protein change: p.Thr752Ala; replaces threonine 752 with alanine.
Molecular consequence: missense variant.
Genome position (GRCh38, 1-based): chr9:132,329,344, T>C on the plus strand (A>G on the coding strand, the complement: SETX is on the minus strand). VCF-style: chr9-132329344-T-C. GRCh37 (hg19) VCF-style: chr9-135204731-T-C.
Other names: p.Thr752Ala; c.2254A>G, p.Thr752Ala (NM_001351527.2, NM_001351528.2); short protein forms T752A.
Identifiers: ClinVar variation 536375 (VCV000536375.11), dbSNP rs745938575, ClinGen allele CA5297637.

ClinVar aggregate classification (germline): Conflicting classifications of pathogenicity. Review status: criteria provided, conflicting classifications (1 of 4 stars). 5 submissions from 4 submitters: Uncertain significance (4); Benign (1). Last evaluated 2025-04-29.

Conditions:
Amyotrophic lateral sclerosis type 4 (ALS4). Also called: AMYOTROPHIC LATERAL SCLEROSIS 4, JUVENILE; NEURONOPATHY, DISTAL HEREDITARY MOTOR, WITH PYRAMIDAL FEATURES. Identifiers: Orphanet 357043, MedGen C1865409, MONDO:0011223, OMIM 602433.
Spinocerebellar ataxia, autosomal recessive, with axonal neuropathy 2 (SCAN2). Also called: ATAXIA-OCULOMOTOR APRAXIA 2; Ataxia-ocular apraxia-2; Ataxia with Oculomotor Apraxia Type 2; Ataxia with Oculomotor Apraxia. Identifiers: Orphanet 64753, MedGen C1853761, MONDO:0018996, OMIM 606002.

Allele frequency attached by ClinVar (database versions not stated): TOPMed below 0.00001; ExAC 0.00001; gnomAD exomes 0.00001.
gnomAD v4.1: 7 of 1,614,052 alleles (0.00043%); highest among the groups gnomAD compares: South Asian, 0.0077%; no homozygotes.

Submissions (5):

Mayo Clinic Laboratories, Mayo Clinic
Classification: Uncertain significance. Last evaluated: 2025-04-29. Review status: criteria provided, single submitter. Criteria: ACMG Guidelines, 2015. Collection method: clinical testing. Allele origin: germline. Observed: 1 variant allele.
Comment: BP4

Genome-Nilou Lab
Classification: Uncertain significance for Spinocerebellar ataxia, autosomal recessive, with axonal neuropathy 2. Last evaluated: 2023-02-08. Review status: criteria provided, single submitter. Criteria: ACMG Guidelines, 2015. Collection method: clinical testing. Allele origin: germline.

Genome-Nilou Lab
Classification: Uncertain significance for Amyotrophic lateral sclerosis type 4. Last evaluated: 2023-02-08. Review status: criteria provided, single submitter. Criteria: ACMG Guidelines, 2015. Collection method: clinical testing. Allele origin: germline.

Labcorp Genetics (formerly Invitae), Labcorp
Classification: Benign for Amyotrophic lateral sclerosis type 4; Spinocerebellar ataxia, autosomal recessive, with axonal neuropathy 2. Last evaluated: 2022-12-06. Review status: criteria provided, single submitter. Criteria: Invitae Variant Classification Sherloc (09022015). Collection method: clinical testing. Allele origin: germline.

Athena Diagnostics
Classification: Uncertain significance. Last evaluated: 2021-08-03. Review status: criteria provided, single submitter. Criteria: Athena Diagnostics Criteria. Collection method: clinical testing. Allele origin: unknown.